The following is an entry in ClinVar:

NM_058216.3(RAD51C):c.994C>A (p.Gln332Lys)

Gene: RAD51C (RAD51 paralog C; plus strand). Cytogenetic location: 17q22.
Variant type: single nucleotide variant.
Coding change: c.994C>A on transcript NM_058216.3 (MANE Select); coding-DNA position 994, C replaced by A.
Protein change: p.Gln332Lys; replaces glutamine 332 with lysine.
Molecular consequence: missense variant. On other transcripts: non-coding transcript variant (1).
Genome position (GRCh38, 1-based): chr17:58,732,512, C>A. VCF-style: chr17-58732512-C-A. GRCh37 (hg19) VCF-style: chr17-56809873-C-A.
Other names: short protein forms Q332K.
Identifiers: ClinVar variation 823577 (VCV000823577.10), dbSNP rs1555605074, ClinGen allele CA400364969.

ClinVar aggregate classification (germline): Uncertain significance. Review status: criteria provided, multiple submitters, no conflicts (2 of 4 stars). 2 submissions from 2 submitters: Uncertain significance (2). Last evaluated 2025-03-12.

Conditions:
Fanconi anemia complementation group O. Also called: RAD51C-Related Fanconi Anemia. Identifiers: Orphanet 84, MedGen C3150653, MONDO:0013248, OMIM 613390.
Hereditary cancer-predisposing syndrome. Also called: Hereditary Cancer Syndrome; Neoplastic Syndromes, Hereditary; Hereditary neoplastic syndrome; Tumor predisposition. Identifiers: Orphanet 140162, MedGen C0027672, MeSH D009386, MONDO:0015356.

Submissions (2):

Labcorp Genetics (formerly Invitae), Labcorp
Classification: Uncertain significance for Fanconi anemia complementation group O. Last evaluated: 2025-03-12. Review status: criteria provided, single submitter. Criteria: Invitae Variant Classification Sherloc (09022015). Collection method: clinical testing. Allele origin: germline.
Comment: This sequence change replaces glutamine, which is neutral and polar, with lysine, which is basic and polar, at codon 332 of the RAD51C protein (p.Gln332Lys). This variant is not present in population databases (gnomAD no frequency). This variant has not been reported in the literature in individuals affected with RAD51C-related conditions. ClinVar contains an entry for this variant (Variation ID: 823577). Invitae Evidence Modeling of protein sequence and biophysical properties (such as structural, functional, and spatial information, amino acid conservation, physicochemical variation, residue mobility, and thermodynamic stability) indicates that this missense variant is not expected to disrupt RAD51C protein function with a negative predictive value of 80%. In summary, the available evidence is currently insufficient to determine the role of this variant in disease. Therefore, it has been classified as a Variant of Uncertain Significance.

Ambry Genetics
Classification: Uncertain significance for Hereditary cancer-predisposing syndrome. Last evaluated: 2024-03-12. Review status: criteria provided, single submitter. Criteria: Ambry Variant Classification Scheme 2023. Collection method: clinical testing. Allele origin: germline.
Comment: The p.Q332K variant (also known as c.994C>A), located in coding exon 8 of the RAD51C gene, results from a C to A substitution at nucleotide position 994. The glutamine at codon 332 is replaced by lysine, an amino acid with similar properties. This amino acid position is highly conserved in available vertebrate species. In addition, this alteration is predicted to be tolerated by in silico analysis. Since supporting evidence is limited at this time, the clinical significance of this alteration remains unclear.